The following is an entry in ClinVar:

ClinVar aggregate classification (germline): Uncertain significance. Review status: criteria provided, multiple submitters, no conflicts (2 of 4 stars). 2 submissions from 2 submitters: Uncertain significance (2). Last evaluated 2025-11-12.

Conditions:
ADAMTS9-related disorder. Also called: ADAMTS9-related condition.

Allele frequency attached by ClinVar (database versions not stated): gnomAD exomes below 0.00001; TOPMed below 0.00001.
gnomAD v4.1: 1 of 1,613,904 alleles (0.000062%); highest among the groups gnomAD compares: Non-Finnish European, 0.000085%; no homozygotes.

Submissions (2):

Ambry Genetics
Classification: Uncertain significance. Last evaluated: 2025-11-12. Review status: criteria provided, single submitter. Criteria: Ambry Variant Classification Scheme 2023. Collection method: clinical testing. Allele origin: germline.

PreventionGenetics, part of Exact Sciences
Classification: Uncertain significance for ADAMTS9-related condition. Last evaluated: 2022-10-05. Review status: criteria provided, single submitter. Criteria: ACMG Guidelines, 2015. Collection method: clinical testing. Allele origin: germline.
Comment: The ADAMTS9 c.2209G>A variant is predicted to result in the amino acid substitution p.Ala737Thr. To our knowledge, this variant has not been reported in the literature or in a large population database, indicating this variant is rare. At this time, the clinical significance of this variant is uncertain due to the absence of conclusive functional and genetic evidence.

NM_182920.2(ADAMTS9):c.2209G>A (p.Ala737Thr)

Gene: ADAMTS9 (ADAM metallopeptidase with thrombospondin type 1 motif 9; minus strand). Cytogenetic location: 3p14.1.
Variant type: single nucleotide variant.
Coding change: c.2209G>A on transcript NM_182920.2 (MANE Select); coding-DNA position 2209, G replaced by A.
Protein change: p.Ala737Thr; replaces alanine 737 with threonine.
Molecular consequence: missense variant.
Genome position (GRCh38, 1-based): chr3:64,631,892, C>T on the plus strand (G>A on the coding strand, the complement: ADAMTS9 is on the minus strand). VCF-style: chr3-64631892-C-T. GRCh37 (hg19) VCF-style: chr3-64617568-C-T.
Other names: c.2125G>A, p.Ala709Thr (NM_001318781.2); short protein forms A709T, A737T.
Identifiers: ClinVar variation 2637014 (VCV002637014.2), dbSNP rs1700375220, ClinGen allele CA353452379.